The following is an entry in ClinVar:

NM_001099922.3(ALG13):c.1909A>G (p.Met637Val)

Gene: ALG13 (ALG13 UDP-N-acetylglucosaminyltransferase subunit; plus strand). Cytogenetic location: Xq23.
Variant type: single nucleotide variant.
Coding change: c.1909A>G on transcript NM_001099922.3 (MANE Select); coding-DNA position 1909, A replaced by G.
Protein change: p.Met637Val; replaces methionine 637 with valine.
Molecular consequence: missense variant. On other transcripts: non-coding transcript variant (1).
Genome position (GRCh38, 1-based): chrX:111,726,988, A>G. VCF-style: chrX-111726988-A-G. GRCh37 (hg19) VCF-style: chrX-110970216-A-G.
Other names: c.1597A>G, p.Met533Val (NM_001257230.2, NM_001257234.2, NM_001257237.2); c.1675A>G, p.Met559Val (NM_001257231.2); c.1909A>G, p.Met637Val (NM_001324292.2); c.1423A>G, p.Met475Val (NM_001324293.1); short protein forms M637V, M475V, M533V, M559V.
Identifiers: ClinVar variation 2117086 (VCV002117086.4), dbSNP rs1443316431, ClinGen allele CA414252818.

ClinVar aggregate classification (germline): Uncertain significance (1 of 4 stars; one submission).

Conditions:
Developmental and epileptic encephalopathy, 36 (DEE36). Also called: Epileptic encephalopathy, early infantile, 36; Congenital disorder of glycosylation, type Is; ALG13-CDG. Identifiers: Orphanet 324422, MedGen C4317295, MONDO:0010472, OMIM 300884.

Submission:

Labcorp Genetics (formerly Invitae), Labcorp
Classification: Uncertain significance for Developmental and epileptic encephalopathy, 36. Last evaluated: 2022-09-29. Review status: criteria provided, single submitter. Criteria: Invitae Variant Classification Sherloc (09022015). Collection method: clinical testing. Allele origin: germline.
Comment: In summary, the available evidence is currently insufficient to determine the role of this variant in disease. Therefore, it has been classified as a Variant of Uncertain Significance. Advanced modeling of protein sequence and biophysical properties (such as structural, functional, and spatial information, amino acid conservation, physicochemical variation, residue mobility, and thermodynamic stability) performed at Invitae indicates that this missense variant is not expected to disrupt ALG13 protein function. This variant has not been reported in the literature in individuals affected with ALG13-related conditions. This variant is not present in population databases (gnomAD no frequency). This sequence change replaces methionine, which is neutral and non-polar, with valine, which is neutral and non-polar, at codon 637 of the ALG13 protein (p.Met637Val).